The following is an entry in ClinVar:

ClinVar aggregate classification (germline): Uncertain significance (1 of 4 stars; one submission).

Allele frequency attached by ClinVar (database versions not stated): ExAC 0.00001.
gnomAD v4.1: 1 of 1,613,868 alleles (0.000062%); highest among the groups gnomAD compares: Non-Finnish European, 0.000085%; no homozygotes.

Submission:

CeGaT Center for Human Genetics Tuebingen
Classification: Uncertain significance. Last evaluated: 2023-09-01. Review status: criteria provided, single submitter. Criteria: CeGaT Center For Human Genetics Tuebingen Variant Classification Criteria Version 2. Collection method: clinical testing. Allele origin: germline. Affected: yes. Observed: 1 variant allele.
Comment: SETD5: PM2

NM_001080517.3(SETD5):c.4247A>G (p.His1416Arg)

Gene: SETD5 (SET domain containing 5; plus strand). Cytogenetic location: 3p25.3.
Variant type: single nucleotide variant.
Coding change: c.4247A>G on transcript NM_001080517.3 (MANE Select); coding-DNA position 4247, A replaced by G.
Protein change: p.His1416Arg; replaces histidine 1416 with arginine.
Molecular consequence: missense variant.
Genome position (GRCh38, 1-based): chr3:9,476,009, A>G. VCF-style: chr3-9476009-A-G. GRCh37 (hg19) VCF-style: chr3-9517693-A-G.
Other names: c.3953A>G, p.His1318Arg (NM_001292043.2, NM_001349451.2); short protein forms H1318R, H1416R.
Identifiers: ClinVar variation 2653482 (VCV002653482.24), dbSNP rs772502083, ClinGen allele CA2239893.